The following is an entry in ClinVar:

NM_013275.6(ANKRD11):c.3485A>T (p.Asp1162Val)

Gene: ANKRD11 (ankyrin repeat domain 11; minus strand). Cytogenetic location: 16q24.3.
Variant type: single nucleotide variant.
Coding change: c.3485A>T on transcript NM_013275.6 (MANE Select); coding-DNA position 3485, A replaced by T.
Protein change: p.Asp1162Val; replaces aspartic acid 1162 with valine.
Molecular consequence: missense variant.
Genome position (GRCh38, 1-based): chr16:89,283,057, T>A on the plus strand (A>T on the coding strand, the complement: ANKRD11 is on the minus strand). VCF-style: chr16-89283057-T-A. GRCh37 (hg19) VCF-style: chr16-89349465-T-A.
Other names: c.3485A>T, p.Asp1162Val (NM_001256182.2, NM_001256183.2); short protein forms D1162V.
Identifiers: ClinVar variation 3637143 (VCV003637143.2).
Genomic context (GRCh38, chr16:89,283,057, plus strand): 5'-CTGGGCTCCTTGTCCTTCTGCCTCTCAGGGTGCTGCTTGTCAGAAGACTTCCTGTGTCTG[T>A]CGGAGGCATAGGCCTCCCGTCCTTCCTCCTTCTCCTGGAGGCCGTCCGTCCTCGGCAAGT-3'
Protein context (NP_037407.4, residues 1152-1172): KEEGREAYAS[Asp1162Val]RHRKSSDKQH

ClinVar aggregate classification (germline): Uncertain significance (1 of 4 stars; one submission).

Conditions:
KBG syndrome (KBGS). Also called: ANKRD11-Related KBG Syndrome. Identifiers: Orphanet 2332, MedGen C0220687, MONDO:0007846, OMIM 148050.

Submission:

Labcorp Genetics (formerly Invitae), Labcorp
Classification: Uncertain significance for KBG syndrome. Last evaluated: 2024-08-27. Review status: criteria provided, single submitter. Criteria: Invitae Variant Classification Sherloc (09022015). Collection method: clinical testing. Allele origin: germline.
Comment: This sequence change replaces aspartic acid, which is acidic and polar, with valine, which is neutral and non-polar, at codon 1162 of the ANKRD11 protein (p.Asp1162Val). This variant is not present in population databases (gnomAD no frequency). This variant has not been reported in the literature in individuals affected with ANKRD11-related conditions. Invitae Evidence Modeling of protein sequence and biophysical properties (such as structural, functional, and spatial information, amino acid conservation, physicochemical variation, residue mobility, and thermodynamic stability) indicates that this missense variant is not expected to disrupt ANKRD11 protein function with a negative predictive value of 95%. In summary, the available evidence is currently insufficient to determine the role of this variant in disease. Therefore, it has been classified as a Variant of Uncertain Significance.